The following is an entry in ClinVar:

ClinVar aggregate classification (germline): Uncertain significance (1 of 4 stars; one submission).

Allele frequency attached by ClinVar (database versions not stated): gnomAD exomes below 0.00001; ESP Exome Variant Server 0.00008; ExAC 0.00005; TOPMed 0.00010; gnomAD 0.00010; 1000 Genomes Project 30x 0.00016.
gnomAD v4.1: 20 of 1,540,436 alleles (0.0013%); highest among the groups gnomAD compares: African/African-American, 0.027%; no homozygotes.

Submission:

Labcorp Genetics (formerly Invitae), Labcorp
Classification: Uncertain significance. Last evaluated: 2023-05-22. Review status: criteria provided, single submitter. Criteria: Invitae Variant Classification Sherloc (09022015). Collection method: clinical testing. Allele origin: germline.
Comment: An algorithm developed to predict the effect of missense changes on protein structure and function (PolyPhen-2) suggests that this variant is likely to be disruptive. In summary, the available evidence is currently insufficient to determine the role of this variant in disease. Therefore, it has been classified as a Variant of Uncertain Significance. ClinVar contains an entry for this variant (Variation ID: 2056703). This variant has not been reported in the literature in individuals affected with MATN3-related conditions. The frequency data for this variant in the population databases is considered unreliable, as metrics indicate poor data quality at this position in the gnomAD database. This sequence change replaces glycine, which is neutral and non-polar, with aspartic acid, which is acidic and polar, at codon 75 of the MATN3 protein (p.Gly75Asp).

NM_002381.5(MATN3):c.224G>A (p.Gly75Asp)

Gene: MATN3 (matrilin 3; minus strand). Cytogenetic location: 2p24.1.
Variant type: single nucleotide variant.
Coding change: c.224G>A on transcript NM_002381.5 (MANE Select); coding-DNA position 224, G replaced by A.
Protein change: p.Gly75Asp; replaces glycine 75 with aspartic acid.
Molecular consequence: missense variant.
Genome position (GRCh38, 1-based): chr2:20,006,310, C>T on the plus strand (G>A on the coding strand, the complement: MATN3 is on the minus strand). VCF-style: chr2-20006310-C-T. GRCh37 (hg19) VCF-style: chr2-20206071-C-T.
Other names: short protein forms G75D.
Identifiers: ClinVar variation 2056703 (VCV002056703.4), dbSNP rs374358569, ClinGen allele CA1544006.
Genomic context (GRCh38, chr2:20,006,310, plus strand): 5'-CGTACGCTACGAGAACTATCAATGATAAACACCAGGTCCAAGGGTCTGCTCTTGCAAACA[C>T]CTGCAAAAGACCAAGCAATGATCAGACCACAATTAGAAATGCAGTAATCCTCACTTCCAG-3'
Protein context (NP_002372.1, residues 65-85): TSEPGRARGA[Gly75Asp]VCKSRPLDLV